The following is an entry in ClinVar:

NM_000136.3(FANCC):c.-3A>G

Gene: FANCC (FA complementation group C; minus strand). Cytogenetic location: 9q22.32.
Variant type: single nucleotide variant.
Coding change: c.-3A>G on transcript NM_000136.3 (MANE Select); 3 bases upstream of the start codon, A replaced by G.
Molecular consequence: 5 prime UTR variant.
Genome position (GRCh38, 1-based): chr9:95,249,294, T>C on the plus strand (A>G on the coding strand, the complement: FANCC is on the minus strand). VCF-style: chr9-95249294-T-C. GRCh37 (hg19) VCF-style: chr9-98011576-T-C.
Other names: c.-3A>G (NM_001243743.2, NM_001243744.2).
Identifiers: ClinVar variation 418185 (VCV000418185.5), dbSNP rs1064793109, ClinGen allele CA16618898.

ClinVar aggregate classification (germline): Conflicting classifications of pathogenicity. Review status: criteria provided, conflicting classifications (1 of 4 stars). 4 submissions from 4 submitters: Uncertain significance (1); Likely benign (2). 1 of the submissions does not count toward it. Last evaluated 2023-10-27.

Conditions:
FANCC-related disorder. Also called: FANCC-related condition.
Hereditary cancer-predisposing syndrome. Also called: Tumor predisposition; Hereditary Cancer Syndrome; Hereditary neoplastic syndrome; Neoplastic Syndromes, Hereditary. Identifiers: Orphanet 140162, MedGen C0027672, MeSH D009386, MONDO:0015356.

Allele frequency attached by ClinVar (database versions not stated): gnomAD exomes 0.00001.
gnomAD v4.1: 7 of 1,614,030 alleles (0.00043%); highest among the groups gnomAD compares: Non-Finnish European, 0.00059%; no homozygotes.

Submissions (4):

Ambry Genetics
Classification: Uncertain significance for Hereditary cancer-predisposing syndrome. Last evaluated: 2023-10-27. Review status: criteria provided, single submitter. Criteria: Ambry Variant Classification Scheme 2023. Collection method: clinical testing. Allele origin: germline.
Comment: The c.-3A>G variant is located in the 5' untranslated region (5&rsquo; UTR) of the FANCC gene. This variant results from an A to G substitution 3 bases upstream from the first translated codon. This nucleotide position is poorly conserved in available vertebrate species. Since supporting evidence is limited at this time, the clinical significance of this alteration remains unclear.

Blueprint Genetics
Classification: Likely benign. Last evaluated: 2023-02-13. Review status: criteria provided, single submitter. Criteria: ACMG Guidelines, 2015. Collection method: clinical testing. Allele origin: germline.

GeneDx
Classification: Likely benign. Last evaluated: 2015-01-16. Review status: criteria provided, single submitter. Criteria: GeneDx Variant Classification (06012015). Collection method: clinical testing. Allele origin: germline. Affected: yes.
Comment: This variant is considered likely benign or benign based on one or more of the following criteria: it is a conservative change, it occurs at a poorly conserved position in the protein, it is predicted to be benign by multiple in silico algorithms, and/or has population frequency not consistent with disease.

PreventionGenetics, part of Exact Sciences
Classification: Likely benign for FANCC-related condition. Last evaluated: 2021-03-05. Review status: no assertion criteria provided. Collection method: clinical testing. Allele origin: germline. Not counted in ClinVar's aggregate classification.
Comment: This variant is classified as likely benign based on ACMG/AMP sequence variant interpretation guidelines (Richards et al. 2015 PMID: 25741868, with internal and published modifications).